The following is an entry in ClinVar:

ClinVar aggregate classification (germline): Uncertain significance. Review status: criteria provided, multiple submitters, no conflicts (2 of 4 stars). 2 submissions from 2 submitters: Uncertain significance (2). Last evaluated 2024-09-18.

Conditions:
Proline dehydrogenase deficiency (HYRPRO1). Also called: Hyperprolinemia type 1; PROLINE OXIDASE DEFICIENCY. Identifiers: Orphanet 419, MedGen C0268529, MONDO:0009400, OMIM 239500.

Allele frequency attached by ClinVar (database versions not stated): ExAC 0.00009.

Submissions (2):

Blueprint Genetics
Classification: Uncertain significance. Last evaluated: 2024-09-18. Review status: criteria provided, single submitter. Criteria: ACMG Guidelines, 2015. Collection method: clinical testing. Allele origin: germline.

Labcorp Genetics (formerly Invitae), Labcorp
Classification: Uncertain significance for Proline dehydrogenase deficiency. Last evaluated: 2022-06-01. Review status: criteria provided, single submitter. Criteria: Invitae Variant Classification Sherloc (09022015). Collection method: clinical testing. Allele origin: germline.
Comment: This sequence change replaces alanine, which is neutral and non-polar, with threonine, which is neutral and polar, at codon 140 of the PRODH protein (p.Ala140Thr). This variant is present in population databases (rs776991699, gnomAD 0.02%). This variant has not been reported in the literature in individuals affected with PRODH-related conditions. Algorithms developed to predict the effect of missense changes on protein structure and function output the following: SIFT: "Tolerated"; PolyPhen-2: "Benign"; Align-GVGD: "Class C0". The threonine amino acid residue is found in multiple mammalian species, which suggests that this missense change does not adversely affect protein function. In summary, the available evidence is currently insufficient to determine the role of this variant in disease. Therefore, it has been classified as a Variant of Uncertain Significance.

NM_016335.6(PRODH):c.418G>A (p.Ala140Thr)

Gene: PRODH (proline dehydrogenase 1; minus strand). Cytogenetic location: 22q11.21.
Variant type: single nucleotide variant.
Coding change: c.418G>A on transcript NM_016335.6 (MANE Select); coding-DNA position 418, G replaced by A.
Protein change: p.Ala140Thr; replaces alanine 140 with threonine.
Molecular consequence: missense variant.
Genome position (GRCh38, 1-based): chr22:18,931,054, C>T on the plus strand (G>A on the coding strand, the complement: PRODH is on the minus strand). VCF-style: chr22-18931054-C-T. GRCh37 (hg19) VCF-style: chr22-18918567-C-T.
Other names: c.94G>A, p.Ala32Thr (NM_001195226.2, NM_001368250.2); short protein forms A32T, A140T.
Identifiers: ClinVar variation 2190641 (VCV002190641.2), dbSNP rs776991699, ClinGen allele CA10095446.
Genomic context (GRCh38, chr22:18,931,054, plus strand): 5'-TCTCCTTGTGCTCTGCCTCCTCGGGGCTCAGGTCCTCCTCCACTCCATAGTCCAGGATGG[C>T]GCTGACACCGAAGGCCCTGTAGTGCCGAAGCAGGGGCTGGATGGACTCCTGGTCCTCCCC-3'
Protein context (NP_057419.5, residues 130-150): LRHYRAFGVS[Ala140Thr]ILDYGVEEDL